The following is an entry in ClinVar:

ClinVar aggregate classification (germline): Uncertain significance (1 of 4 stars; one submission).

Conditions:
Oculodentodigital dysplasia, autosomal recessive. Also called: ODDD, AUTOSOMAL RECESSIVE; ODOD, AUTOSOMAL RECESSIVE; OCULODENTOOSSEOUS DYSPLASIA, AUTOSOMAL RECESSIVE. Identifiers: Orphanet 2710, MedGen C2749477, MONDO:0009768, OMIM 257850.

Allele frequency attached by ClinVar (database versions not stated): TOPMed below 0.00001; gnomAD 0.00001.
gnomAD v4.1: 4 of 1,613,974 alleles (0.00025%); highest among the groups gnomAD compares: Non-Finnish European, 0.00034%; no homozygotes.

Submission:

Labcorp Genetics (formerly Invitae), Labcorp
Classification: Uncertain significance for Oculodentodigital dysplasia, autosomal recessive. Last evaluated: 2022-11-22. Review status: criteria provided, single submitter. Criteria: Invitae Variant Classification Sherloc (09022015). Collection method: clinical testing. Allele origin: germline.
Comment: In summary, the available evidence is currently insufficient to determine the role of this variant in disease. Therefore, it has been classified as a Variant of Uncertain Significance. Advanced modeling of protein sequence and biophysical properties (such as structural, functional, and spatial information, amino acid conservation, physicochemical variation, residue mobility, and thermodynamic stability) performed at Invitae indicates that this missense variant is not expected to disrupt GJA1 protein function. This variant has not been reported in the literature in individuals affected with GJA1-related conditions. This variant is not present in population databases (gnomAD no frequency). This sequence change replaces alanine, which is neutral and non-polar, with glycine, which is neutral and non-polar, at codon 168 of the GJA1 protein (p.Ala168Gly).

NM_000165.5(GJA1):c.503C>G (p.Ala168Gly)

Gene: GJA1 (gap junction protein alpha 1; plus strand). Cytogenetic location: 6q22.31.
Variant type: single nucleotide variant.
Coding change: c.503C>G on transcript NM_000165.5 (MANE Select); coding-DNA position 503, C replaced by G.
Protein change: p.Ala168Gly; replaces alanine 168 with glycine.
Molecular consequence: missense variant.
Genome position (GRCh38, 1-based): chr6:121,447,350, C>G. VCF-style: chr6-121447350-C-G. GRCh37 (hg19) VCF-style: chr6-121768496-C-G.
Other names: short protein forms A168G.
Identifiers: ClinVar variation 2153879 (VCV002153879.4), dbSNP rs1773905449, ClinGen allele CA365559156.